The following is an entry in ClinVar:

ClinVar aggregate classification (germline): Pathogenic. Review status: criteria provided, multiple submitters, no conflicts (2 of 4 stars). 3 submissions from 3 submitters: Pathogenic (3). Last evaluated 2025-08-21.

Conditions:
Hereditary spastic paraplegia 4. Also called: Familial spastic paraplegia autosomal dominant 2; Spastic paraplegia 4, autosomal dominant; Spastic Paraplegia 4. Identifiers: Orphanet 100985, MedGen C1866855, MONDO:0008438, OMIM 182601.

Submissions (3):

Labcorp Genetics (formerly Invitae), Labcorp
Classification: Pathogenic for Hereditary spastic paraplegia 4. Last evaluated: 2025-08-21. Review status: criteria provided, single submitter. Criteria: Invitae Variant Classification Sherloc (09022015). Collection method: clinical testing. Allele origin: germline.
Comment: This sequence change replaces glycine, which is neutral and non-polar, with glutamic acid, which is acidic and polar, at codon 417 of the SPAST protein (p.Gly417Glu). This variant is not present in population databases (gnomAD no frequency). This missense change has been observed in individual(s) with clinical features of hereditary spastic paraplegia (PMID: 18701882, 37251230; internal data). In at least one individual the variant was observed to be de novo. ClinVar contains an entry for this variant (Variation ID: 943524). Invitae Evidence Modeling of protein sequence and biophysical properties (such as structural, functional, and spatial information, amino acid conservation, physicochemical variation, residue mobility, and thermodynamic stability) indicates that this missense variant is expected to disrupt SPAST protein function with a positive predictive value of 80%. For these reasons, this variant has been classified as Pathogenic.

Genetic Services Laboratory, University of Chicago
Classification: Pathogenic. Last evaluated: 2019-06-10. Review status: criteria provided, single submitter. Criteria: ACMG Guidelines, 2015. Collection method: clinical testing. Allele origin: germline. Affected: yes.
Comment: DNA sequence analysis of the SPAST gene demonstrated a sequence change, c.1250G>A, in exon 10 that results in an amino acid change, p.Gly417Glu. The p.Gly417Glu change affects a highly conserved amino acid residue located in the AAA type of ATPase domain of the SPAST protein where other pathogenic missense variants have also been described. The p.Gly417Glu substitution appears to be deleterious using several in-silico pathogenicity prediction tools (SIFT, PolyPhen2, Mutation Tester, and REVEL). This sequence change has previously been described in a patient with complicated HSP and cognitive impairment (Shoukier et al., 2009). This is a novel sequence change that is not present in the population databases (ExAC and gnomAD).

Juno Genomics, Hangzhou Juno Genomics, Inc
Classification: Pathogenic for Hereditary spastic paraplegia 4. Review status: criteria provided, single submitter. Criteria: ACMG Guidelines, 2015. Collection method: clinical testing. Allele origin: germline.
Comment: Absent from controls (or at extremely low frequency if recessive) in Genome Aggregation Database.;De novo (both maternity and paternity confirmed) in a patient with the disease and no family history.;The prevalence of the variant in affected individuals is significantly increased compared to the prevalence in controls.;Multiple lines of computational evidence support a deleterious effect on the gene or gene product.

Literature cited by the submitters: PubMed 18701882 (cited by Labcorp Genetics (formerly Invitae), Labcorp); PubMed 37251230 (cited by Labcorp Genetics (formerly Invitae), Labcorp).

NM_014946.4(SPAST):c.1250G>A (p.Gly417Glu)

Gene: SPAST (spastin; plus strand). Cytogenetic location: 2p22.3.
Variant type: single nucleotide variant.
Coding change: c.1250G>A on transcript NM_014946.4 (MANE Select); coding-DNA position 1250, G replaced by A.
Protein change: p.Gly417Glu; replaces glycine 417 with glutamic acid.
Molecular consequence: missense variant.
Genome position (GRCh38, 1-based): chr2:32,136,567, G>A. VCF-style: chr2-32136567-G-A. GRCh37 (hg19) VCF-style: chr2-32361636-G-A.
Other names: c.1247G>A, p.Gly416Glu (NM_001363823.2); c.1151G>A, p.Gly384Glu (NM_001363875.2); c.1154G>A, p.Gly385Glu (NM_001377959.1, NM_199436.2); short protein forms G384E, G385E, G416E, G417E.
Identifiers: ClinVar variation 943524 (VCV000943524.15), dbSNP rs1553318161, ClinGen allele CA346501834.